The following is an entry in ClinVar:

NM_001321075.3(DLG4):c.1004G>T (p.Gly335Val)

Genes: DLG4 (discs large MAGUK scaffold protein 4; minus strand), LOC126862479 (MED14-independent group 3 enhancer GRCh37_chr17:7099412-7100611; plus strand). Cytogenetic location: 17p13.1.
Variant type: single nucleotide variant.
Coding change: c.1004G>T on transcript NM_001321075.3 (MANE Select); coding-DNA position 1004, G replaced by T.
Protein change: p.Gly335Val; replaces glycine 335 with valine.
Molecular consequence: missense variant. On other transcripts: non-coding transcript variant (1).
Genome position (GRCh38, 1-based): chr17:7,196,836, C>A on the plus strand (G>T on the coding strand, the complement: DLG4 is on the minus strand). VCF-style: chr17-7196836-C-A. GRCh37 (hg19) VCF-style: chr17-7100155-C-A.
Other names: c.995G>T, p.Gly332Val (NM_001128827.4); c.1124G>T, p.Gly375Val (NM_001321074.1); c.824G>T, p.Gly275Val (NM_001321076.3, NM_001321077.3); c.1133G>T, p.Gly378Val (NM_001365.5); c.923G>T, p.Gly308Val (NM_001369566.3); short protein forms G275V, G332V, G375V, G308V, G378V, G335V.
Identifiers: ClinVar variation 2388480 (VCV002388480.2), dbSNP rs377010784, ClinGen allele CA397716611.

ClinVar aggregate classification (germline): Uncertain significance (1 of 4 stars; one submission).

Conditions:
Inborn genetic diseases. Identifiers: MedGen C0950123, MeSH D030342.

Submission:

Ambry Genetics
Classification: Uncertain significance for Inborn genetic diseases. Last evaluated: 2021-02-02. Review status: criteria provided, single submitter. Criteria: Ambry Variant Classification Scheme 2023. Collection method: clinical testing. Allele origin: germline.
Comment: The c.1133G>T (p.G378V) alteration is located in coding exon 11 of the DLG4 gene. This alteration results from a G to T substitution at nucleotide position 1133, causing the glycine (G) at amino acid position 378 to be replaced by a valine (V). Based on data from the Genome Aggregation Database (gnomAD), the DLG4 c.1133G>T alteration was not observed, with coverage at this position. The p.G378 amino acid is conserved in available vertebrate species. The in silico prediction for the p.G378V alteration is inconclusive. Based on insufficient or conflicting evidence, the clinical significance of this alteration remains unclear.